The following is an entry in ClinVar:

ClinVar aggregate classification (germline): Conflicting classifications of pathogenicity. Review status: criteria provided, conflicting classifications (1 of 4 stars). 2 submissions from 2 submitters: Uncertain significance (1); Likely benign (1). Last evaluated 2022-07-26.

Conditions:
Hepatic veno-occlusive disease-immunodeficiency syndrome. Also called: Hepatic Veno-Occlusive Disease with Immunodeficiency. Identifiers: Orphanet 79124, MedGen C1856128, MONDO:0009338, OMIM 235550. Disease mechanism: loss of function.
Inborn genetic diseases. Identifiers: MedGen C0950123, MeSH D030342.

Allele frequency attached by ClinVar (database versions not stated): gnomAD exomes 0.00002 and 0.00008; ExAC 0.00007; gnomAD 0.00024 and 0.00029; TOPMed 0.00033; ESP Exome Variant Server 0.00062.
gnomAD v4.1: 68 of 1,607,862 alleles (0.0042%); highest among the groups gnomAD compares: African/African-American, 0.086%; no homozygotes.

Submissions (2):

Labcorp Genetics (formerly Invitae), Labcorp
Classification: Uncertain significance for Hepatic veno-occlusive disease-immunodeficiency syndrome. Last evaluated: 2022-07-26. Review status: criteria provided, single submitter. Criteria: Invitae Variant Classification Sherloc (09022015). Collection method: clinical testing. Allele origin: germline.
Comment: This sequence change replaces lysine, which is basic and polar, with glutamic acid, which is acidic and polar, at codon 439 of the SP110 protein (p.Lys439Glu). This variant is present in population databases (rs145154247, gnomAD 0.1%). This variant has not been reported in the literature in individuals affected with SP110-related conditions. ClinVar contains an entry for this variant (Variation ID: 647440). Algorithms developed to predict the effect of missense changes on protein structure and function output the following: SIFT: "Tolerated"; PolyPhen-2: "Benign"; Align-GVGD: "Class C0". The glutamic acid amino acid residue is found in multiple mammalian species, which suggests that this missense change does not adversely affect protein function. In summary, the available evidence is currently insufficient to determine the role of this variant in disease. Therefore, it has been classified as a Variant of Uncertain Significance.

Ambry Genetics
Classification: Likely benign for Inborn genetic diseases. Last evaluated: 2022-03-29. Review status: criteria provided, single submitter. Criteria: Ambry Variant Classification Scheme 2023. Collection method: clinical testing. Allele origin: germline.

NM_080424.4(SP110):c.1315A>G (p.Lys439Glu)

Gene: SP110 (SP110 nuclear body protein; minus strand). Cytogenetic location: 2q37.1.
Variant type: single nucleotide variant.
Coding change: c.1315A>G on transcript NM_080424.4 (MANE Select); coding-DNA position 1315, A replaced by G.
Protein change: p.Lys439Glu; replaces lysine 439 with glutamic acid.
Molecular consequence: missense variant.
Genome position (GRCh38, 1-based): chr2:230,183,605, T>C on the plus strand (A>G on the coding strand, the complement: SP110 is on the minus strand). VCF-style: chr2-230183605-T-C. GRCh37 (hg19) VCF-style: chr2-231048321-T-C.
Other names: c.1333A>G, p.Lys445Glu (NM_001185015.2, NM_001378442.1, NM_001378444.1 and 2 more transcripts); c.1315A>G, p.Lys439Glu (NM_001378443.1, NM_004509.5, NM_004510.4); c.1165A>G, p.Lys389Glu (NM_001378447.1); short protein forms K439E, K445E, K389E.
Identifiers: ClinVar variation 647440 (VCV000647440.6), dbSNP rs145154247, ClinGen allele CA2154547.
Genomic context (GRCh38, chr2:230,183,605, plus strand): 5'-GGGAGGCGCTGTGGCTTGCTTGCTTACCTCTTCGGTGAATATTTTTCTGAAATCTCCTTT[T>C]TGAGCTTGAACAGATATCTTTCTCCTTTTTCTTTTCTAAACACAGAATTAATAATCACTT-3'
Protein context (NP_536349.3, residues 429-449): KKEKDICSSS[Lys439Glu]RRFQKNIHRR